The following is an entry in ClinVar:

NM_031372.4(HNRNPDL):c.113_115dup (p.Leu38_Ala39insVal)

Gene: HNRNPDL (heterogeneous nuclear ribonucleoprotein D like; minus strand). Cytogenetic location: 4q21.22.
Variant type: Duplication.
Coding change: c.113_115dup on transcript NM_031372.4 (MANE Select); coding-DNA positions 113 to 115, 3 bases duplicated (TAG; older notation c.113_115dupTAG).
Protein change: p.Leu38_Ala39insVal.
Molecular consequence: non-coding transcript variant (on NR_003249.2).
Genome position (GRCh38, 1-based): chr4:82,429,576-82,429,578, CTA duplicated on the plus strand (TAG on the coding strand, the reverse complement: HNRNPDL is on the minus strand). VCF-style (leftmost placement, unchanged base first): chr4-82429575-G-GCTA. GRCh37 (hg19) VCF-style: chr4-83350728-G-GCTA.
Other names: c.113_115dup, p.Leu38_Ala39insVal (NM_001207000.1).
Identifiers: ClinVar variation 3638189 (VCV003638189.2).

ClinVar aggregate classification (germline): Uncertain significance (1 of 4 stars; one submission).

Conditions:
Autosomal dominant limb-girdle muscular dystrophy type 1G (LGMDD3). Also called: Limb-girdle muscular dystrophy, type 1G; MUSCULAR DYSTROPHY, LIMB-GIRDLE, AUTOSOMAL DOMINANT 3. Identifiers: Orphanet 55596, MedGen C1836765, MONDO:0012193, OMIM 609115.

Submission:

Labcorp Genetics (formerly Invitae), Labcorp
Classification: Uncertain significance for Autosomal dominant limb-girdle muscular dystrophy type 1G. Last evaluated: 2024-03-16. Review status: criteria provided, single submitter. Criteria: Invitae Variant Classification Sherloc (09022015). Collection method: clinical testing. Allele origin: germline.
Comment: This variant, c.113_115dup, results in the insertion of 1 amino acid(s) of the HNRNPDL protein (p.Leu38_Ala39insVal), but otherwise preserves the integrity of the reading frame. This variant is not present in population databases (gnomAD no frequency). This variant has not been reported in the literature in individuals affected with HNRNPDL-related conditions. In summary, the available evidence is currently insufficient to determine the role of this variant in disease. Therefore, it has been classified as a Variant of Uncertain Significance.